The following is an entry in ClinVar:

NM_001354483.2(CSGALNACT1):c.407G>A (p.Gly136Asp)

Gene: CSGALNACT1 (chondroitin sulfate N-acetylgalactosaminyltransferase 1; minus strand). Cytogenetic location: 8p21.3.
Variant type: single nucleotide variant.
Coding change: c.407G>A on transcript NM_001354483.2 (MANE Select); coding-DNA position 407, G replaced by A.
Protein change: p.Gly136Asp; replaces glycine 136 with aspartic acid.
Molecular consequence: missense variant. On other transcripts: non-coding transcript variant (7).
Genome position (GRCh38, 1-based): chr8:19,505,428, C>T on the plus strand (G>A on the coding strand, the complement: CSGALNACT1 is on the minus strand). VCF-style: chr8-19505428-C-T. GRCh37 (hg19) VCF-style: chr8-19362939-C-T.
Other names: c.407G>A, p.Gly136Asp (NM_001130518.2, NM_001354475.2, NM_001354476.2 and 18 more transcripts); short protein forms G136D.
Identifiers: ClinVar variation 1364504 (VCV001364504.8), dbSNP rs1195921053, ClinGen allele CA370461320.

ClinVar aggregate classification (germline): Uncertain significance (1 of 4 stars; one submission).

Allele frequency attached by ClinVar (database versions not stated): gnomAD exomes below 0.00001.
gnomAD v4.1: 5 of 1,614,202 alleles (0.00031%); highest among the groups gnomAD compares: Admixed American, 0.0017%; no homozygotes.

Submission:

Labcorp Genetics (formerly Invitae), Labcorp
Classification: Uncertain significance. Last evaluated: 2022-06-13. Review status: criteria provided, single submitter. Criteria: Invitae Variant Classification Sherloc (09022015). Collection method: clinical testing. Allele origin: germline.
Comment: This sequence change replaces glycine, which is neutral and non-polar, with aspartic acid, which is acidic and polar, at codon 136 of the CSGALNACT1 protein (p.Gly136Asp). This variant is present in population databases (no rsID available, gnomAD 0.003%). This variant has not been reported in the literature in individuals affected with CSGALNACT1-related conditions. Algorithms developed to predict the effect of missense changes on protein structure and function are either unavailable or do not agree on the potential impact of this missense change (SIFT: "Deleterious"; PolyPhen-2: "Probably Damaging"; Align-GVGD: "Class C0"). In summary, the available evidence is currently insufficient to determine the role of this variant in disease. Therefore, it has been classified as a Variant of Uncertain Significance.